The following is an entry in ClinVar:

NM_000475.5(NR0B1):c.343del (p.Val115fs)

Gene: NR0B1 (nuclear receptor subfamily 0 group B member 1; minus strand). Cytogenetic location: Xp21.2.
Variant type: Deletion.
Coding change: c.343del on transcript NM_000475.5 (MANE Select); coding-DNA position 343, one base deleted (G; older notation c.343delG).
Protein change: p.Val115fs; shifts the reading frame from valine 115.
Molecular consequence: frameshift variant.
Genome position (GRCh38, 1-based): chrX:30,309,021, C deleted on the plus strand (G on the coding strand, the reverse complement: NR0B1 is on the minus strand); the first of 4 consecutive C bases (chrX:30,309,021-30,309,024); deleting any one gives the same sequence. VCF-style (leftmost placement, unchanged base first): chrX-30309020-AC-A. GRCh37 (hg19) VCF-style: chrX-30327137-AC-A.
Other names: c.343delG (NM_000475.4); short protein forms V115fs.
Identifiers: ClinVar variation 1208006 (VCV001208006.5), dbSNP rs2147007205, ClinGen allele CA2499226604.
Genomic context (GRCh38, chrX:30,309,020, plus strand): 5'-CAAAAGCAGCAGCGGTACAGGAGTGCCACGGGCCGCCCACCCGGAAGCCCCGCTCTGCCC[AC>A]CCCGGGATCAGAGCCGCACGAACAGCCCCAGCACGGACCCAGCGTCGCCTCGGGCGCCTT-3'

ClinVar aggregate classification (germline): Pathogenic (1 of 4 stars; one submission).

Submission:

GeneDx
Classification: Pathogenic. Last evaluated: 2021-12-17. Review status: criteria provided, single submitter. Criteria: GeneDx Variant Classification Process June 2021. Collection method: clinical testing. Allele origin: germline. Affected: yes.
Comment: Frameshift variant predicted to result in protein truncation or nonsense mediated decay in a gene for which loss-of-function is a known mechanism of disease; Not observed in large population cohorts (Lek et al., 2016); This variant is associated with the following publications: (PMID: 11748852)